The following is an entry in ClinVar:

ClinVar aggregate classification (germline): Benign/Likely benign. Review status: criteria provided, multiple submitters, no conflicts (2 of 4 stars). 5 submissions from 5 submitters: Benign (1); Likely benign (4). Last evaluated 2025-09-03.

Conditions:
Melanoma-pancreatic cancer syndrome. Identifiers: Orphanet 404560, MedGen C1838547, MONDO:0011713, OMIM 606719. Disease mechanism: loss of function.
Familial melanoma. Also called: Hereditary melanoma; Hereditary cutaneous melanoma. Identifiers: Orphanet 618, MedGen C1512419, MONDO:0018961.
Hereditary cancer-predisposing syndrome. Also called: Tumor predisposition; Hereditary Cancer Syndrome; Neoplastic Syndromes, Hereditary; Hereditary neoplastic syndrome. Identifiers: Orphanet 140162, MedGen C0027672, MeSH D009386, MONDO:0015356.

Allele frequency attached by ClinVar (database versions not stated): gnomAD exomes below 0.00001; ExAC 0.00001.
gnomAD v4.1: 3 of 1,592,118 alleles (0.00019%); highest among the groups gnomAD compares: Non-Finnish European, 0.00026%; no homozygotes.

Submissions (5):

Labcorp Genetics (formerly Invitae), Labcorp
Classification: Likely benign for Familial melanoma. Last evaluated: 2025-09-03. Review status: criteria provided, single submitter. Criteria: Invitae Variant Classification Sherloc (09022015). Collection method: clinical testing. Allele origin: germline.

Myriad Genetics, Inc.
Classification: Benign for Melanoma-pancreatic cancer syndrome. Last evaluated: 2025-08-13. Review status: criteria provided, single submitter. Criteria: Myriad Autosomal Dominant, Autosomal Recessive and X-Linked Classification Criteria (2023). Collection method: clinical testing. Allele origin: unknown.
Comment: This variant is considered benign. This variant is a silent/synonymous amino acid change and it is not expected to impact splicing.

GeneDx
Classification: Likely benign. Last evaluated: 2020-02-24. Review status: criteria provided, single submitter. Criteria: GeneDx Variant Classification Process June 2021. Collection method: clinical testing. Allele origin: germline. Affected: yes.

Color Diagnostics, LLC DBA Color Health
Classification: Likely benign for Hereditary cancer-predisposing syndrome. Last evaluated: 2018-09-17. Review status: criteria provided, single submitter. Criteria: ACMG Guidelines, 2015. Collection method: clinical testing. Allele origin: germline.

Ambry Genetics
Classification: Likely benign for Hereditary cancer-predisposing syndrome. Last evaluated: 2015-06-14. Review status: criteria provided, single submitter. Criteria: Ambry Variant Classification Scheme 2023. Collection method: clinical testing. Allele origin: germline.

NM_000077.5(CDKN2A):c.6G>A (p.Glu2=)

Genes: CDKN2A (cyclin dependent kinase inhibitor 2A; minus strand), LOC130001603 (ATAC-STARR-seq lymphoblastoid silent region 19811; plus strand). Cytogenetic location: 9p21.3.
Variant type: single nucleotide variant.
Coding change: c.6G>A on transcript NM_000077.5; coding-DNA position 6, G replaced by A.
Protein change: p.Glu2=; no amino-acid change (glutamic acid 2 retained).
Molecular consequence: synonymous variant (on NM_000077.6). On other transcripts: intron variant (2).
Genome position (GRCh38, 1-based): chr9:21,974,822, C>T on the plus strand (G>A on the coding strand, the complement: CDKN2A is on the minus strand). VCF-style: chr9-21974822-C-T. GRCh37 (hg19) VCF-style: chr9-21974821-C-T.
Other names: c.6G>A, p.Glu2= (NM_000077.6, NM_001195132.2, NM_058197.5); c.-3-3614G>A (NM_001363763.2); c.194-3614G>A (NM_058195.4).
Identifiers: ClinVar variation 483322 (VCV000483322.20), dbSNP rs777092073, ClinGen allele CA5012341.